The following is an entry in ClinVar:

NM_014319.5(LEMD3):c.1022A>T (p.Glu341Val)

Gene: LEMD3 (LEM domain containing 3; plus strand). Cytogenetic location: 12q14.3.
Variant type: single nucleotide variant.
Coding change: c.1022A>T on transcript NM_014319.5 (MANE Select); coding-DNA position 1022, A replaced by T.
Protein change: p.Glu341Val; replaces glutamic acid 341 with valine.
Molecular consequence: missense variant.
Genome position (GRCh38, 1-based): chr12:65,170,618, A>T. VCF-style: chr12-65170618-A-T. GRCh37 (hg19) VCF-style: chr12-65564398-A-T.
Other names: c.1022A>T, p.Glu341Val (NM_001167614.2); short protein forms E341V.
Identifiers: ClinVar variation 1415061 (VCV001415061.6), dbSNP rs767880318, ClinGen allele CA6670831.

ClinVar aggregate classification (germline): Uncertain significance (1 of 4 stars; one submission).

Allele frequency attached by ClinVar (database versions not stated): ExAC 0.00001; gnomAD exomes 0.00001.
gnomAD v4.1: 3 of 1,614,100 alleles (0.00019%); highest among the groups gnomAD compares: Non-Finnish European, 0.00025%; no homozygotes.

Submission:

Labcorp Genetics (formerly Invitae), Labcorp
Classification: Uncertain significance. Last evaluated: 2022-02-08. Review status: criteria provided, single submitter. Criteria: Invitae Variant Classification Sherloc (09022015). Collection method: clinical testing. Allele origin: germline.
Comment: Algorithms developed to predict the effect of missense changes on protein structure and function (SIFT, PolyPhen-2, Align-GVGD) all suggest that this variant is likely to be tolerated. In summary, the available evidence is currently insufficient to determine the role of this variant in disease. Therefore, it has been classified as a Variant of Uncertain Significance. This variant has not been reported in the literature in individuals affected with LEMD3-related conditions. This variant is present in population databases (rs767880318, gnomAD 0.002%). This sequence change replaces glutamic acid, which is acidic and polar, with valine, which is neutral and non-polar, at codon 341 of the LEMD3 protein (p.Glu341Val).